The following is an entry in ClinVar:

NM_007294.4(BRCA1):c.4748G>A (p.Arg1583Lys)

Gene: BRCA1 (BRCA1 DNA repair associated; minus strand). Cytogenetic location: 17q21.31.
Variant type: single nucleotide variant.
Coding change: c.4748G>A on transcript NM_007294.4 (MANE Select); coding-DNA position 4748, G replaced by A.
Protein change: p.Arg1583Lys; replaces arginine 1583 with lysine.
Molecular consequence: missense variant. On other transcripts: non-coding transcript variant (1).
Genome position (GRCh38, 1-based): chr17:43,071,166, C>T on the plus strand (G>A on the coding strand, the complement: BRCA1 is on the minus strand). VCF-style: chr17-43071166-C-T. GRCh37 (hg19) VCF-style: chr17-41223183-C-T.
Other names: c.4532G>A, p.Arg1511Lys (NM_001407915.1, NM_001407916.1, NM_001407917.1 and 1 more transcripts); c.4625G>A, p.Arg1542Lys (NM_001407919.1, NM_001407937.1, NM_001407938.1 and 6 more transcripts); c.4484G>A, p.Arg1495Lys (NM_001407920.1, NM_001407921.1, NM_001407922.1 and 4 more transcripts); c.4481G>A, p.Arg1494Lys (NM_001407927.1, NM_001407928.1, NM_001407929.1 and 4 more transcripts); c.4478G>A, p.Arg1493Lys (NM_001407934.1, NM_001407935.1, NM_001407936.1); c.4622G>A, p.Arg1541Lys (NM_001407939.1, NM_001407940.1, NM_001407670.1 and 11 more transcripts); c.4619G>A, p.Arg1540Lys (NM_001407941.1, NM_001407681.1, NM_001407682.1 and 6 more transcripts); c.4607G>A, p.Arg1536Lys (NM_001407942.1, NM_007297.4, NM_001407692.1 and 13 more transcripts); and 70 more; short protein forms R1583K, R1604K, R1536K, R479K, R1429K, R1471K, R1472K, R1514K.
Identifiers: ClinVar variation 230482 (VCV000230482.15), dbSNP rs752624544, ClinGen allele CA052895.

ClinVar aggregate classification (germline): Conflicting classifications of pathogenicity. Review status: criteria provided, conflicting classifications (1 of 4 stars). 3 submissions from 3 submitters: Uncertain significance (1); Likely benign (1). 1 of the submissions does not count toward it. Last evaluated 2025-12-06.

Conditions:
Familial cancer of breast. Also called: BREAST CANCER, FAMILIAL; hereditary breast carcinoma; Hereditary breast cancer. Identifiers: Orphanet 227535, MedGen C0346153, MONDO:0016419, OMIM 114480. Disease mechanism: loss of function.
Hereditary cancer-predisposing syndrome. Also called: Neoplastic Syndromes, Hereditary; Tumor predisposition; Hereditary Cancer Syndrome; Hereditary neoplastic syndrome. Identifiers: Orphanet 140162, MedGen C0027672, MeSH D009386, MONDO:0015356.
Hereditary breast ovarian cancer syndrome. Also called: BRCA1- and BRCA2-Associated Hereditary Breast and Ovarian Cancer; Hereditary breast and ovarian cancer syndrome; Hereditary breast and ovarian cancer; Hereditary breast and ovarian cancer syndrome (HBOC); Breast and ovarian cancer; Hereditary breast and/or ovarian cancer syndrome. Identifiers: Orphanet 145, MedGen C0677776, MeSH D061325, MONDO:0003582. Disease mechanism: loss of function.

Allele frequency attached by ClinVar (database versions not stated): ExAC 0.00002; gnomAD exomes 0.00003.
gnomAD v4.1: 8 of 1,614,184 alleles (0.0005%); highest among the groups gnomAD compares: East Asian, 0.018%; no homozygotes.

Submissions (3):

Labcorp Genetics (formerly Invitae), Labcorp
Classification: Uncertain significance for Hereditary breast ovarian cancer syndrome. Last evaluated: 2025-12-06. Review status: criteria provided, single submitter. Criteria: Invitae Variant Classification Sherloc (09022015). Collection method: clinical testing. Allele origin: germline.
Comment: This sequence change replaces arginine, which is basic and polar, with lysine, which is basic and polar, at codon 1583 of the BRCA1 protein (p.Arg1583Lys). This variant is present in population databases (rs752624544, gnomAD 0.03%). This missense change has been observed in individual(s) with breast and/or ovarian cancer (PMID: 27907908, 35918668). ClinVar contains an entry for this variant (Variation ID: 230482). Invitae Evidence Modeling of protein sequence and biophysical properties (such as structural, functional, and spatial information, amino acid conservation, physicochemical variation, residue mobility, and thermodynamic stability) indicates that this missense variant is not expected to disrupt BRCA1 protein function with a negative predictive value of 95%. Experimental studies have shown that this missense change does not substantially affect BRCA1 function (PMID: 32546644). In summary, the available evidence is currently insufficient to determine the role of this variant in disease. Therefore, it has been classified as a Variant of Uncertain Significance.

Ambry Genetics
Classification: Likely benign for Hereditary cancer-predisposing syndrome. Last evaluated: 2025-04-04. Review status: criteria provided, single submitter. Criteria: Ambry Variant Classification Scheme 2023. Collection method: clinical testing. Allele origin: germline.

Center for Precision Medicine, Meizhou People's Hospital
Classification: Uncertain significance for Familial cancer of breast. Review status: no assertion criteria provided. Collection method: literature only. Allele origin: germline. Affected: yes. Not counted in ClinVar's aggregate classification.

Literature cited by the submitters: PubMed 27907908 (cited by 3 submitters); PubMed 35918668 (cited by Labcorp Genetics (formerly Invitae), Labcorp); PubMed 32546644 (cited by Labcorp Genetics (formerly Invitae), Labcorp).